The following is an entry in ClinVar:

ClinVar aggregate classification (germline): Uncertain significance. Review status: criteria provided, multiple submitters, no conflicts (2 of 4 stars). 3 submissions from 3 submitters: Uncertain significance (3). Last evaluated 2025-06-13.

Conditions:
Hereditary cancer-predisposing syndrome. Also called: Hereditary neoplastic syndrome; Neoplastic Syndromes, Hereditary; Tumor predisposition; Hereditary Cancer Syndrome. Identifiers: Orphanet 140162, MedGen C0027672, MeSH D009386, MONDO:0015356.
Neuroblastoma, susceptibility to, 3. Also called: ALK-Related Neuroblastic Tumor Susceptibility. Identifiers: Orphanet 635, MedGen C2751681, MONDO:0013083, OMIM 613014.

Submissions (3):

Ambry Genetics
Classification: Uncertain significance for Hereditary cancer-predisposing syndrome. Last evaluated: 2025-06-13. Review status: criteria provided, single submitter. Criteria: Ambry Variant Classification Scheme 2023. Collection method: clinical testing. Allele origin: germline.
Comment: The p.F58L variant (also known as c.172T>C), located in coding exon 1 of the ALK gene, results from a T to C substitution at nucleotide position 172. The phenylalanine at codon 58 is replaced by leucine, an amino acid with highly similar properties. This variant has been reported in germline in an infant with neuroblastoma (Theruvath et al., 2016). This amino acid position is highly conserved in available vertebrate species. In addition, the in silico prediction for this alteration is inconclusive. Based on the available evidence, the clinical significance of this variant remains unclear.

Labcorp Genetics (formerly Invitae), Labcorp
Classification: Uncertain significance for Neuroblastoma, susceptibility to, 3. Last evaluated: 2025-02-07. Review status: criteria provided, single submitter. Criteria: Invitae Variant Classification Sherloc (09022015). Collection method: clinical testing. Allele origin: germline.
Comment: This sequence change replaces phenylalanine, which is neutral and non-polar, with leucine, which is neutral and non-polar, at codon 58 of the ALK protein (p.Phe58Leu). This variant is not present in population databases (gnomAD no frequency). This missense change has been observed in individual(s) with neuroblastoma and nephroblastoma (PMID: 27285993). ClinVar contains an entry for this variant (Variation ID: 1023439). An algorithm developed to predict the effect of missense changes on protein structure and function (PolyPhen-2) suggests that this variant is likely to be disruptive. In summary, the available evidence is currently insufficient to determine the role of this variant in disease. Therefore, it has been classified as a Variant of Uncertain Significance.

GeneDx
Classification: Uncertain significance. Last evaluated: 2023-11-06. Review status: criteria provided, single submitter. Criteria: GeneDx Variant Classification Process June 2021. Collection method: clinical testing. Allele origin: germline. Affected: yes.
Comment: Not observed at significant frequency in large population cohorts (gnomAD); In silico analysis supports that this missense variant does not alter protein structure/function; Observed in a pediatric patient with synchronous neuroblastoma and nephroblastoma (PMID: 27285993); This variant is associated with the following publications: (PMID: 27285993)

Literature cited by the submitters: PubMed 27285993 (cited by Labcorp Genetics (formerly Invitae), Labcorp).

NM_004304.5(ALK):c.172T>C (p.Phe58Leu)

Gene: ALK (ALK receptor tyrosine kinase; minus strand). Cytogenetic location: 2p23.1.
Variant type: single nucleotide variant.
Coding change: c.172T>C on transcript NM_004304.5 (MANE Select); coding-DNA position 172, T replaced by C.
Protein change: p.Phe58Leu; replaces phenylalanine 58 with leucine.
Molecular consequence: missense variant.
Genome position (GRCh38, 1-based): chr2:29,920,488, A>G on the plus strand (T>C on the coding strand, the complement: ALK is on the minus strand). VCF-style: chr2-29920488-A-G. GRCh37 (hg19) VCF-style: chr2-30143354-A-G.
Other names: c.172T>C (NM_004304.4); short protein forms F58L.
Identifiers: ClinVar variation 1023439 (VCV001023439.8), dbSNP rs1667965302, ClinGen allele CA346590554.